The following is an entry in ClinVar:

ClinVar aggregate classification (germline): Uncertain significance (1 of 4 stars; one submission).

Conditions:
Inborn genetic diseases. Identifiers: MedGen C0950123, MeSH D030342.

Submission:

Ambry Genetics
Classification: Uncertain significance for Inborn genetic diseases. Last evaluated: 2024-12-07. Review status: criteria provided, single submitter. Criteria: Ambry Variant Classification Scheme 2023. Collection method: clinical testing. Allele origin: germline.
Comment: The p.E57G variant (also known as c.170A>G), located in coding exon 1 of the KDM1A gene, results from an A to G substitution at nucleotide position 170. The glutamic acid at codon 57 is replaced by glycine, an amino acid with similar properties. This amino acid position is conserved. In addition, this alteration is predicted to be tolerated by in silico analysis. Based on the available evidence, the clinical significance of this variant remains unclear.

NM_001009999.3(KDM1A):c.170A>G (p.Glu57Gly)

Gene: KDM1A (lysine demethylase 1A; plus strand). Cytogenetic location: 1p36.12.
Variant type: single nucleotide variant.
Coding change: c.170A>G on transcript NM_001009999.3 (MANE Select); coding-DNA position 170, A replaced by G.
Protein change: p.Glu57Gly; replaces glutamic acid 57 with glycine.
Molecular consequence: missense variant.
Genome position (GRCh38, 1-based): chr1:23,019,766, A>G. VCF-style: chr1-23019766-A-G. GRCh37 (hg19) VCF-style: chr1-23346259-A-G.
Other names: c.170A>G, p.Glu57Gly (NM_001363654.2, NM_001410762.1, NM_001410763.1 and 1 more transcripts); short protein forms E57G.
Identifiers: ClinVar variation 3532974 (VCV003532974.1).